The following is an entry in ClinVar:

NM_000077.5(CDKN2A):c.170C>G (p.Ala57Gly)

Gene: CDKN2A (cyclin dependent kinase inhibitor 2A; minus strand). Cytogenetic location: 9p21.3.
Variant type: single nucleotide variant.
Coding change: c.170C>G on transcript NM_000077.5; coding-DNA position 170, C replaced by G.
Protein change: p.Ala57Gly; replaces alanine 57 with glycine.
Molecular consequence: missense variant (on NM_000077.6). On other transcripts: synonymous variant (1), 3 prime UTR variant (1).
Genome position (GRCh38, 1-based): chr9:21,971,189, G>C on the plus strand (C>G on the coding strand, the complement: CDKN2A is on the minus strand). VCF-style: chr9-21971189-G-C. GRCh37 (hg19) VCF-style: chr9-21971188-G-C.
Other names: c.170C>G, p.Ala57Gly (NM_000077.6, NM_001195132.2); c.17C>G, p.Ala6Gly (NM_001363763.2); c.213C>G, p.Arg71= (NM_058195.4); c.*93C>G (NM_058197.5); short protein forms A57G, A6G.
Identifiers: ClinVar variation 187272 (VCV000187272.27), dbSNP rs372266620, ClinGen allele CA197201.

ClinVar aggregate classification (germline): Uncertain significance. Review status: criteria provided, multiple submitters, no conflicts (2 of 4 stars). 9 submissions from 9 submitters: Uncertain significance (9). Last evaluated 2025-11-24.

Conditions:
CDKN2A-related disorder. Also called: CDKN2A-related condition.
Familial melanoma. Also called: Hereditary melanoma; Hereditary cutaneous melanoma. Identifiers: Orphanet 618, MedGen C1512419, MONDO:0018961.
Hereditary cancer-predisposing syndrome. Also called: Neoplastic Syndromes, Hereditary; Tumor predisposition; Hereditary neoplastic syndrome; Hereditary Cancer Syndrome. Identifiers: Orphanet 140162, MedGen C0027672, MeSH D009386, MONDO:0015356.
Melanoma and neural system tumor syndrome. Also called: MELANOMA-ASTROCYTOMA SYNDROME. Identifiers: Orphanet 252206, MedGen C1835042, MONDO:0007967, OMIM 155755.

Allele frequency attached by ClinVar (database versions not stated): TOPMed 0.00002.
gnomAD v4.1: 22 of 1,597,598 alleles (0.0014%); highest among the groups gnomAD compares: Non-Finnish European, 0.0017%; no homozygotes.

Submissions (9):

PreventionGenetics, part of Exact Sciences
Classification: Uncertain significance for CDKN2A-related condition. Last evaluated: 2025-11-24. Review status: criteria provided, single submitter. Criteria: ACMG Guidelines, 2015. Collection method: clinical testing. Allele origin: germline.
Comment: The CDKN2A c.170C>G variant is predicted to result in the amino acid substitution p.Ala57Gly. Of note, the CDKN2A encodes two different proteins, p16INK4A (NM_000077.4) and p14ARF (NM_058195.3), through alternative transcripts (Laud et al. 2006. PubMed ID: 15937071). Using the NM_058195 transcript, this variant is also referred to as c.213C>G (p.=), which is predicted to not impact splicing based on available splicing prediction programs (SpliceAI, Jaganathan et al. 2019. PubMed ID: 30661751). To our knowledge, this variant has not been reported in the literature. This variant is reported in 0.0079% of alleles in individuals of European (Non-Finnish) descent in gnomAD and is reported as a variant of uncertain significance in ClinVar (Variation ID: 187272). At this time, the clinical significance of this variant is uncertain due to the absence of conclusive functional and genetic evidence.

Ambry Genetics
Classification: Uncertain significance for Hereditary cancer-predisposing syndrome. Last evaluated: 2024-02-14. Review status: criteria provided, single submitter. Criteria: Ambry Variant Classification Scheme 2023. Collection method: clinical testing. Allele origin: germline.
Comment: The p.A57G variant (also known as c.170C>G), located in coding exon 2 of the CDKN2A gene, results from a C to G substitution at nucleotide position 170. The alanine at codon 57 is replaced by glycine, an amino acid with similar properties. This alteration was observed in a patient with two primary melanomas and no family history of melanoma (Helsing P, Genes Chromosomes Cancer 2008 Feb; 47(2):175-84). In a subsequent study from the same authors, this alteration was detected in 1/420 controls (Helsing P, Genes Chromosomes Cancer 2012 Jul; 51(7):654-61). This amino acid position is poorly conserved in available vertebrate species. In addition, this alteration is predicted to be tolerated by in silico analysis. Based on the available evidence, the clinical significance of this alteration remains unclear.

Color Diagnostics, LLC DBA Color Health
Classification: Uncertain significance for Hereditary cancer-predisposing syndrome. Last evaluated: 2024-02-12. Review status: criteria provided, single submitter. Criteria: ACMG Guidelines, 2015. Collection method: clinical testing. Allele origin: germline.
Comment: This variant replaces alanine with glycine at codon 57 of the CDKN2A (p16INK4A) protein. Computational prediction tool suggests that this variant may not impact protein structure and function. To our knowledge, functional studies have not been reported for this variant. This variant has been reported in two individuals affected with multiple primary melanoma (PMID: 18023021, 21462282), in an unaffected individual (PMID: 22447455), and in an individual affected with Lynch syndrome-associated cancer and/or colorectal polyps who had a pathogenic CHEK2 variant (PMID: 25980754). This variant has been identified in 9/251530 chromosomes in the general population by the Genome Aggregation Database (gnomAD). The available evidence is insufficient to determine the role of this variant in disease conclusively. Therefore, this variant is classified as a Variant of Uncertain Significance.

Labcorp Genetics (formerly Invitae), Labcorp
Classification: Uncertain significance for Familial melanoma. Last evaluated: 2024-01-24. Review status: criteria provided, single submitter. Criteria: Invitae Variant Classification Sherloc (09022015). Collection method: clinical testing. Allele origin: germline.
Comment: This sequence change replaces alanine, which is neutral and non-polar, with glycine, which is neutral and non-polar, at codon 57 of the CDKN2A (p16INK4a) protein (p.Ala57Gly). This variant is present in population databases (rs372266620, gnomAD 0.009%). This missense change has been observed in individual(s) with Lynch syndrome and sporadic multiple primary melanomas (PMID: 18023021, 25980754). ClinVar contains an entry for this variant (Variation ID: 187272). An algorithm developed to predict the effect of missense changes on protein structure and function (PolyPhen-2) suggests that this variant¬†is likely to be tolerated. In summary, the available evidence is currently insufficient to determine the role of this variant in disease. Therefore, it has been classified as a Variant of Uncertain Significance.

Quest Diagnostics Nichols Institute San Juan Capistrano
Classification: Uncertain significance. Last evaluated: 2023-12-17. Review status: criteria provided, single submitter. Criteria: Quest Diagnostics criteria. Collection method: clinical testing. Allele origin: unknown.
Comment: The CDKN2A c.170C>G (p.Ala57Gly) variant (also known as c.213C>G (p.Arg71=) on the CDKN2A (p14) transcript) has been reported in the published literature in individuals with melanoma (PMIDs: 21462282 (2011), 18023021 (2008)), breast cancer (PMID: 29316957 (2018)), suspected Lynch syndrome (PMID: 25980754 (2015)), as well as in one reportedly healthy individual (PMID: 22447455 (2012)). The frequency of this variant in the general population, 0.000079 (9/114328 chromosomes in European (Non-Finnish) subpopulation (Genome Aggregation Database)), is higher than would generally be expected for pathogenic variants in this gene. Analysis of this variant using bioinformatics tools for the prediction of the effect of amino acid changes on protein structure and function yielded conflicting predictions that this variant is deleterious or benign. Additional analysis using software algorithms for the prediction of the effect of nucleotide changes on splicing yielded predictions that this variant does not affect CDKN2A mRNA splicing. Based on the available information, we are unable to determine the clinical significance of this variant.

Baylor Genetics
Classification: Uncertain significance for Melanoma and neural system tumor syndrome. Last evaluated: 2023-08-10. Review status: criteria provided, single submitter. Criteria: ACMG Guidelines, 2015. Collection method: clinical testing. Allele origin: unknown.

Clinical Genetics Laboratory, Skane University Hospital Lund
Classification: Uncertain significance. Last evaluated: 2022-06-08. Review status: criteria provided, single submitter. Criteria: ACMG Guidelines, 2015. Collection method: clinical testing. Allele origin: germline. Affected: yes.

Sema4
Classification: Uncertain significance for Hereditary cancer-predisposing syndrome. Last evaluated: 2021-10-19. Review status: criteria provided, single submitter. Criteria: Sema4 Curation Guidelines. Collection method: curation. Allele origin: germline.
Comment: The CDKN2A c.170C>G (p.A57G) variant has been reported in at least one individual with multiple primary melanomas (PMID:18023021) and in an individual with suspected Lynch syndrome (PMID:25980754). This variant has also been detected in unaffected controls (PMID: 22447455, 21462282). It was observed in 9/114328 chromosomes of the Non-Finnish European subpopulation in the large and broad cohorts of the Genome Aggregation Database (PMID: 32461654). The variant has been reported in ClinVar (Variation ID 187272). Functional studies have not been performed, and in silico predictions of the variant's effect on protein function are inconclusive. The evidence is insufficient to meet ACMG/AMP criteria for classifying the variant as benign or pathogenic. Thus, the clinical significance of this variant is currently uncertain.

GeneDx
Classification: Uncertain significance. Last evaluated: 2021-01-04. Review status: criteria provided, single submitter. Criteria: GeneDx Variant Classification Process June 2021. Collection method: clinical testing. Allele origin: germline. Affected: yes.
Comment: In silico analysis supports that this missense variant does not alter protein structure/function; Observed in individuals with multiple primary melanoma or other cancers, but also in unselected controls (Helsing 2008, Miller 2011, Helsing 2012, Yurgelun 2015, Li 2018); This variant is associated with the following publications: (PMID: 14735200, 18023021, 22447455, 21462282, 25980754, 29316957)

Literature cited by the submitters: PubMed 18023021 (cited by 5 submitters); PubMed 22447455 (cited by 4 submitters); PubMed 21462282 (cited by 3 submitters); PubMed 25980754 (cited by 4 submitters); PubMed 29316957 (cited by Quest Diagnostics Nichols Institute San Juan Capistrano).